The following is an entry in ClinVar:

NM_000168.6(GLI3):c.1350del (p.Gln451fs)

Gene: GLI3 (GLI family zinc finger 3; minus strand). Cytogenetic location: 7p14.1.
Variant type: Deletion.
Coding change: c.1350del on transcript NM_000168.6 (MANE Select); coding-DNA position 1350, one base deleted (G; older notation c.1350delG).
Protein change: p.Gln451fs; shifts the reading frame from glutamine 451.
Molecular consequence: frameshift variant.
Genome position (GRCh38, 1-based): chr7:42,025,270, C deleted on the plus strand (G on the coding strand, the reverse complement: GLI3 is on the minus strand); the first of 5 consecutive C bases (chr7:42,025,270-42,025,274); deleting any one gives the same sequence. VCF-style (leftmost placement, unchanged base first): chr7-42025269-GC-G. GRCh37 (hg19) VCF-style: chr7-42064868-GC-G.
Other names: short protein forms Q451fs.
Identifiers: ClinVar variation 4620885 (VCV004620885.1).
Genomic context (GRCh38, chr7:42,025,269, plus strand): 5'-AAGACACCAGTCTTGGGAGGAGTGGGCGCTGGCCTGTGCGGCCTCGGTGTCCTACCTGCT[GC>G]CCCCGAGCCCCTGGGCTGGGGAGGTCTTCATCGGGTTTGATCTTGGACCTCTTGTTGTGC-3'

ClinVar aggregate classification (germline): Pathogenic (1 of 4 stars; one submission).

Conditions:
Inborn genetic diseases. Identifiers: MedGen C0950123, MeSH D030342.

Submission:

Ambry Genetics
Classification: Pathogenic for Inborn genetic diseases. Last evaluated: 2025-10-20. Review status: criteria provided, single submitter. Criteria: Ambry Variant Classification Scheme 2023. Collection method: clinical testing. Allele origin: germline.
Comment: The c.1350delG (p.Q451Sfs*51) alteration, located in exon 9 (coding exon 8) of the GLI3 gene, consists of a deletion of one nucleotide at position 1350, causing a translational frameshift with a predicted alternate stop codon after 51 amino acids. This alteration is expected to result in loss of function by premature protein truncation or nonsense-mediated mRNA decay. for Grieg cephalopolysyndactyly syndrome; however, its clinical significance for Pallister-Hall syndrome is uncertain. This variant was not reported in population-based cohorts in the Genome Aggregation Database (gnomAD). Based on the available evidence, this alteration is classified as pathogenic.